The following is an entry in ClinVar:

ClinVar aggregate classification (germline): Likely pathogenic (1 of 4 stars; one submission).

Conditions:
PAFAH1B1-related disorder. Also called: PAFAH1B1-related condition.

Submission:

PreventionGenetics, part of Exact Sciences
Classification: Likely pathogenic for PAFAH1B1-related condition. Last evaluated: 2023-03-15. Review status: criteria provided, single submitter. Criteria: ACMG Guidelines, 2015. Collection method: clinical testing. Allele origin: germline.
Comment: The PAFAH1B1 c.193-1G>A variant is predicted to disrupt the AG splice acceptor site and interfere with normal splicing. This variant was reported in an individual with bilateral diffuse lissencephaly and pachygyria (Accogli et al. 2020. PubMed ID: 32570172). This variant has not been reported in a large population database, indicating this variant is rare. Variants that disrupt the consensus splice acceptor site in PAFAH1B1 are expected to be pathogenic. This variant is interpreted as likely pathogenic.

NM_000430.4(PAFAH1B1):c.193-1G>A

Gene: PAFAH1B1 (platelet activating factor acetylhydrolase 1b regulatory subunit 1; plus strand). Cytogenetic location: 17p13.3.
Variant type: single nucleotide variant.
Coding change: c.193-1G>A on transcript NM_000430.4 (MANE Select); the canonical splice acceptor site of the intron before coding-DNA position 193, G replaced by A.
Molecular consequence: splice acceptor variant.
Genome position (GRCh38, 1-based): chr17:2,666,991, G>A. VCF-style: chr17-2666991-G-A. GRCh37 (hg19) VCF-style: chr17-2570285-G-A.
Identifiers: ClinVar variation 2633888 (VCV002633888.1), dbSNP rs2544089957, ClinGen allele CA397638507.